The following is an entry in ClinVar:

NM_015041.3(CLUAP1):c.1064C>T (p.Thr355Met)

Gene: CLUAP1 (clusterin associated protein 1; plus strand). Cytogenetic location: 16p13.3.
Variant type: single nucleotide variant.
Coding change: c.1064C>T on transcript NM_015041.3 (MANE Select); coding-DNA position 1064, C replaced by T.
Protein change: p.Thr355Met; replaces threonine 355 with methionine.
Molecular consequence: missense variant.
Genome position (GRCh38, 1-based): chr16:3,532,813, C>T. VCF-style: chr16-3532813-C-T. GRCh37 (hg19) VCF-style: chr16-3582813-C-T.
Other names: c.1064C>T (NM_015041.1); c.1064C>T, p.Thr355Met (NM_001330454.2); c.566C>T, p.Thr189Met (NM_024793.3); short protein forms T189M, T355M.
Identifiers: ClinVar variation 2415152 (VCV002415152.7), dbSNP rs145377972, ClinGen allele CA7863980.
Genomic context (GRCh38, chr16:3,532,813, plus strand): 5'-TTTATGACTTCTTCATGCTTTTGTTGTTCTCAGGAAGACCTGGCAAACGCATTGTGGGCA[C>T]GATGCAAGGTGGAGACTCCGATGACAATGTAAGTCCCCCGCTCCCCTCAGTGGTTCTGTG-3'
Protein context (NP_055856.1, residues 345-365): QGRPGKRIVG[Thr355Met]MQGGDSDDNE

ClinVar aggregate classification (germline): Uncertain significance. Review status: criteria provided, multiple submitters, no conflicts (2 of 4 stars). 2 submissions from 2 submitters: Uncertain significance (2). Last evaluated 2025-04-02.

Allele frequency attached by ClinVar (database versions not stated): gnomAD exomes 0.00001; TOPMed 0.00001; gnomAD 0.00003; ExAC 0.00005; ESP Exome Variant Server 0.00008; 1000 Genomes Project 30x 0.00016; 1000 Genomes Project 0.00020.
gnomAD v4.1: 17 of 1,614,104 alleles (0.0011%); highest among the groups gnomAD compares: East Asian, 0.02%; no homozygotes.

Submissions (2):

Ambry Genetics
Classification: Uncertain significance. Last evaluated: 2025-04-02. Review status: criteria provided, single submitter. Criteria: Ambry Variant Classification Scheme 2023. Collection method: clinical testing. Allele origin: germline.

Labcorp Genetics (formerly Invitae), Labcorp
Classification: Uncertain significance. Last evaluated: 2022-10-19. Review status: criteria provided, single submitter. Criteria: Invitae Variant Classification Sherloc (09022015). Collection method: clinical testing. Allele origin: germline.
Comment: In summary, the available evidence is currently insufficient to determine the role of this variant in disease. Therefore, it has been classified as a Variant of Uncertain Significance. Advanced modeling of protein sequence and biophysical properties (such as structural, functional, and spatial information, amino acid conservation, physicochemical variation, residue mobility, and thermodynamic stability) performed at Invitae indicates that this missense variant is not expected to disrupt CLUAP1 protein function. This variant has not been reported in the literature in individuals affected with CLUAP1-related conditions. This variant is present in population databases (rs145377972, gnomAD 0.05%). This sequence change replaces threonine, which is neutral and polar, with methionine, which is neutral and non-polar, at codon 355 of the CLUAP1 protein (p.Thr355Met).